The following is an entry in ClinVar:

ClinVar aggregate classification (germline): Uncertain significance. Review status: criteria provided, multiple submitters, no conflicts (2 of 4 stars). 2 submissions from 2 submitters: Uncertain significance (2). Last evaluated 2026-01-13.

Conditions:
Hereditary cancer-predisposing syndrome. Also called: Hereditary neoplastic syndrome; Tumor predisposition; Neoplastic Syndromes, Hereditary; Hereditary Cancer Syndrome. Identifiers: Orphanet 140162, MedGen C0027672, MeSH D009386, MONDO:0015356.
Carney complex, type 1 (CNC1). Also called: CARNEY COMPLEX, TYPE I; CARNEY MYXOMA-ENDOCRINE COMPLEX. Identifiers: Orphanet 1359, MedGen C2607929, MONDO:0008057, OMIM 160980.

Allele frequency attached by ClinVar (database versions not stated): gnomAD exomes below 0.00001 and 0.00001; gnomAD 0.00002; TOPMed 0.00001; ExAC 0.00001.
gnomAD v4.1: 9 of 1,613,400 alleles (0.00056%); highest among the groups gnomAD compares: Admixed American, 0.0017%; no homozygotes.

Submissions (2):

Labcorp Genetics (formerly Invitae), Labcorp
Classification: Uncertain significance for Carney complex, type 1. Last evaluated: 2026-01-13. Review status: criteria provided, single submitter. Criteria: Invitae Variant Classification Sherloc (09022015). Collection method: clinical testing. Allele origin: germline.
Comment: This sequence change replaces alanine, which is neutral and non-polar, with valine, which is neutral and non-polar, at codon 29 of the PRKAR1A protein (p.Ala29Val). This variant is present in population databases (rs763929951, gnomAD 0.003%). This variant has not been reported in the literature in individuals affected with PRKAR1A-related conditions. ClinVar contains an entry for this variant (Variation ID: 656267). Invitae Evidence Modeling of protein sequence and biophysical properties (such as structural, functional, and spatial information, amino acid conservation, physicochemical variation, residue mobility, and thermodynamic stability) indicates that this missense variant is not expected to disrupt PRKAR1A protein function with a negative predictive value of 95%. In summary, the available evidence is currently insufficient to determine the role of this variant in disease. Therefore, it has been classified as a Variant of Uncertain Significance.

Ambry Genetics
Classification: Uncertain significance for Hereditary cancer-predisposing syndrome. Last evaluated: 2024-12-29. Review status: criteria provided, single submitter. Criteria: Ambry Variant Classification Scheme 2023. Collection method: clinical testing. Allele origin: germline.
Comment: The p.A29V variant (also known as c.86C>T), located in coding exon 1 of the PRKAR1A gene, results from a C to T substitution at nucleotide position 86. The alanine at codon 29 is replaced by valine, an amino acid with similar properties. This amino acid position is not well conserved in available vertebrate species. In addition, this alteration is predicted to be tolerated by in silico analysis. Since supporting evidence is limited at this time, the clinical significance of this alteration remains unclear.

NM_002734.5(PRKAR1A):c.86C>T (p.Ala29Val)

Gene: PRKAR1A (protein kinase cAMP-dependent type I regulatory subunit alpha; plus strand). Cytogenetic location: 17q24.2.
Variant type: single nucleotide variant.
Coding change: c.86C>T on transcript NM_002734.5 (MANE Select); coding-DNA position 86, C replaced by T.
Protein change: p.Ala29Val; replaces alanine 29 with valine.
Molecular consequence: missense variant.
Genome position (GRCh38, 1-based): chr17:68,515,485, C>T. VCF-style: chr17-68515485-C-T. GRCh37 (hg19) VCF-style: chr17-66511626-C-T.
Other names: c.86C>T, p.Ala29Val (NM_001276289.2, NM_001276290.1, NM_001278433.2 and 4 more transcripts); short protein forms A29V.
Identifiers: ClinVar variation 656267 (VCV000656267.12), dbSNP rs763929951, ClinGen allele CA8729155.